The following is an entry in ClinVar:

ClinVar aggregate classification (germline): Uncertain significance (1 of 4 stars; one submission).

Allele frequency attached by ClinVar (database versions not stated): gnomAD exomes below 0.00001.
gnomAD v4.1: 3 of 1,609,500 alleles (0.00019%); highest among the groups gnomAD compares: Non-Finnish European, 0.00017%; no homozygotes.

Submission:

Women's Health and Genetics/Laboratory Corporation of America, LabCorp
Classification: Uncertain significance. Last evaluated: 2022-10-06. Review status: criteria provided, single submitter. Criteria: LabCorp Variant Classification Summary - May 2015. Collection method: clinical testing. Allele origin: germline.
Comment: Variant summary: ERCC4 c.1469G>A (p.Arg490Gln) results in a conservative amino acid change in the encoded protein sequence. Five in-silico tools predict a benign effect of the variant on protein function. The variant was absent in 246974 control chromosomes. The available data on variant occurrences in the general population are insufficient to allow any conclusion about variant significance. c.1469G>A has been reported in the literature in an individual affected with Xeroderma Pigmentosum (Matsumura_1998) without strong evidence for causality. This report do not provide unequivocal conclusions about association of the variant with Xeroderma Pigmentosum. To our knowledge, no experimental evidence demonstrating an impact on protein function has been reported. No clinical diagnostic laboratories have submitted clinical-significance assessments for this variant to ClinVar after 2014. Based on the evidence outlined above, the variant was classified as uncertain significance.

Literature cited by the submitters: PubMed 21228398; PubMed 9580660.

NM_005236.3(ERCC4):c.1469G>A (p.Arg490Gln)

Gene: ERCC4 (ERCC excision repair 4, endonuclease catalytic subunit; plus strand). Cytogenetic location: 16p13.12.
Variant type: single nucleotide variant.
Coding change: c.1469G>A on transcript NM_005236.3 (MANE Select); coding-DNA position 1469, G replaced by A.
Protein change: p.Arg490Gln; replaces arginine 490 with glutamine.
Molecular consequence: missense variant.
Genome position (GRCh38, 1-based): chr16:13,935,401, G>A. VCF-style: chr16-13935401-G-A. GRCh37 (hg19) VCF-style: chr16-14029258-G-A.
Other names: short protein forms R490Q.
Identifiers: ClinVar variation 1723249 (VCV001723249.1), dbSNP rs912480692, ClinGen allele CA278471710.